The following is an entry in ClinVar:

ClinVar aggregate classification (germline): Uncertain significance (1 of 4 stars; one submission).

Allele frequency attached by ClinVar (database versions not stated): gnomAD exomes below 0.00001 and 0.00001; gnomAD 0.00001; ExAC 0.00003.
gnomAD v4.1: 8 of 1,594,810 alleles (0.0005%); highest among the groups gnomAD compares: African/African-American, 0.0027%; no homozygotes.

Submission:

GeneDx
Classification: Uncertain significance. Last evaluated: 2019-06-13. Review status: criteria provided, single submitter. Criteria: GeneDx Variant Classification Process June 2021. Collection method: clinical testing. Allele origin: germline. Affected: yes.
Comment: In silico analysis, which includes protein predictors and evolutionary conservation, supports a deleterious effect; Has not been previously published as pathogenic or benign to our knowledge

NM_002226.5(JAG2):c.1975C>T (p.Arg659Cys)

Gene: JAG2 (jagged canonical Notch ligand 2; minus strand). Cytogenetic location: 14q32.33.
Variant type: single nucleotide variant.
Coding change: c.1975C>T on transcript NM_002226.5 (MANE Select); coding-DNA position 1975, C replaced by T.
Protein change: p.Arg659Cys; replaces arginine 659 with cysteine.
Molecular consequence: missense variant.
Genome position (GRCh38, 1-based): chr14:105,148,790, G>A on the plus strand (C>T on the coding strand, the complement: JAG2 is on the minus strand). VCF-style: chr14-105148790-G-A. GRCh37 (hg19) VCF-style: chr14-105615127-G-A.
Other names: c.1861C>T, p.Arg621Cys (NM_145159.3); short protein forms R621C, R659C.
Identifiers: ClinVar variation 1302207 (VCV001302207.2), dbSNP rs771572871, ClinGen allele CA7385785.